The following is an entry in ClinVar:

NM_000030.3(AGXT):c.374_381del (p.Pro125fs)

Gene: AGXT (alanine--glyoxylate aminotransferase; plus strand). Cytogenetic location: 2q37.3.
Variant type: Deletion.
Coding change: c.374_381del on transcript NM_000030.3 (MANE Select); coding-DNA positions 374 to 381, 8 bases deleted (CGATGACC; older notation c.374_381delCGATGACC).
Protein change: p.Pro125fs; shifts the reading frame from proline 125.
Molecular consequence: frameshift variant.
Genome position (GRCh38, 1-based): chr2:240,870,659-240,870,666, CGATGACC deleted; deleting any 8 consecutive bases within chr2:240,870,656-240,870,666 gives the same sequence; the c. name uses the placement nearest the transcript's 3' end. VCF-style (leftmost placement, unchanged base first): chr2-240870655-CACCCGATG-C. GRCh37 (hg19) VCF-style: chr2-241810072-CACCCGATG-C.
Other names: short protein forms P125fs.
Identifiers: ClinVar variation 971513 (VCV000971513.10), dbSNP rs2058986184, ClinGen allele CA1139657806.

ClinVar aggregate classification (germline): Pathogenic/Likely pathogenic. Review status: criteria provided, multiple submitters, no conflicts (2 of 4 stars). 3 submissions from 3 submitters: Pathogenic (1); Likely pathogenic (2). Last evaluated 2023-11-10.

Conditions:
Primary hyperoxaluria, type I (HP1). Also called: Primary hyperoxaluria type 1; GLYCOLIC ACIDURIA; HEPATIC AGT DEFICIENCY; OXALOSIS I. Identifiers: Orphanet 416, Orphanet 93598, MedGen C0268164, MONDO:0009823, OMIM 259900. Disease mechanism: loss of function.

Submissions (3):

Labcorp Genetics (formerly Invitae), Labcorp
Classification: Pathogenic. Last evaluated: 2023-11-10. Review status: criteria provided, single submitter. Criteria: Invitae Variant Classification Sherloc (09022015). Collection method: clinical testing. Allele origin: germline.
Comment: This sequence change creates a premature translational stop signal (p.Pro125Glnfs*40) in the AGXT gene. It is expected to result in an absent or disrupted protein product. Loss-of-function variants in AGXT are known to be pathogenic (PMID: 19479957). This variant is not present in population databases (gnomAD no frequency). This variant has not been reported in the literature in individuals affected with AGXT-related conditions. ClinVar contains an entry for this variant (Variation ID: 971513). For these reasons, this variant has been classified as Pathogenic.

Baylor Genetics
Classification: Likely pathogenic for Primary hyperoxaluria, type I. Last evaluated: 2022-07-15. Review status: criteria provided, single submitter. Criteria: ACMG Guidelines, 2015. Collection method: clinical testing. Allele origin: unknown.

Myriad Genetics, Inc.
Classification: Likely pathogenic for Primary hyperoxaluria, type I. Last evaluated: 2021-12-08. Review status: criteria provided, single submitter. Criteria: Myriad Women's Health Autosomal Recessive and X-Linked Classification Criteria (2021). Collection method: clinical testing. Allele origin: unknown.
Comment: NM_000030.2(AGXT):c.374_381del8(P125Qfs*40) is expected to be pathogenic in the context of primary hyperoxaluria type 1. This variant is predicted to lead to an abnormal or absent protein product due to the creation of a premature termination codon in AGXT, a gene where loss-of-function variants are known to be pathogenic. Please note: this variant was assessed in the context of healthy population screening.

Literature cited by the submitters: PubMed 19479957 (cited by Labcorp Genetics (formerly Invitae), Labcorp).